The following is an entry in ClinVar:

NM_001127222.2(CACNA1A):c.4247G>A (p.Cys1416Tyr)

Genes: CACNA1A (calcium voltage-gated channel subunit alpha1 A; minus strand), LOC126862864 (MED14-independent group 3 enhancer GRCh37_chr19:13371552-13372751; plus strand). Cytogenetic location: 19p13.13.
Variant type: single nucleotide variant.
Coding change: c.4247G>A on transcript NM_001127222.2 (MANE Select); coding-DNA position 4247, G replaced by A.
Protein change: p.Cys1416Tyr; replaces cysteine 1416 with tyrosine.
Molecular consequence: missense variant.
Genome position (GRCh38, 1-based): chr19:13,261,453, C>T on the plus strand (G>A on the coding strand, the complement: CACNA1A is on the minus strand). VCF-style: chr19-13261453-C-T. GRCh37 (hg19) VCF-style: chr19-13372267-C-T.
Other names: c.4259G>A, p.Cys1420Tyr (NM_000068.4, NM_023035.3); c.4250G>A, p.Cys1417Tyr (NM_001127221.2, NM_001174080.2); short protein forms C1416Y, C1417Y, C1420Y.
Identifiers: ClinVar variation 4526456 (VCV004526456.1).

ClinVar aggregate classification (germline): Likely pathogenic (1 of 4 stars; one submission).

Conditions:
Developmental and epileptic encephalopathy, 42 (DEE42A). Also called: Epileptic encephalopathy, early infantile, 42; DEVELOPMENTAL AND EPILEPTIC ENCEPHALOPATHY 42A; EPILEPTIC ENCEPHALOPATHY, EARLY INFANTILE, 42A. Identifiers: MedGen C4310716, MONDO:0014917, OMIM 617106.

Submission:

Navigene Genetic Science Pvt Ltd
Classification: Likely pathogenic for Developmental and epileptic encephalopathy, 42. Last evaluated: 2025-06-27. Review status: criteria provided, single submitter. Criteria: ACMG Guidelines, 2015. Collection method: clinical testing. Allele origin: germline. Affected: yes.
Comment: Classified as a Likely Pathogenic based on ACMG 2015 guidelines : PM1,PP2,PM2,PP3